The following is an entry in ClinVar:

ClinVar aggregate classification (germline): Uncertain significance (1 of 4 stars; one submission).

Submission:

Labcorp Genetics (formerly Invitae), Labcorp
Classification: Uncertain significance. Last evaluated: 2024-04-16. Review status: criteria provided, single submitter. Criteria: Invitae Variant Classification Sherloc (09022015). Collection method: clinical testing. Allele origin: germline.
Comment: This sequence change replaces aspartic acid, which is acidic and polar, with glutamic acid, which is acidic and polar, at codon 332 of the SLC26A3 protein (p.Asp332Glu). This variant is not present in population databases (gnomAD no frequency). This variant has not been reported in the literature in individuals affected with SLC26A3-related conditions. Advanced modeling of protein sequence and biophysical properties (such as structural, functional, and spatial information, amino acid conservation, physicochemical variation, residue mobility, and thermodynamic stability) performed at Invitae indicates that this missense variant is not expected to disrupt SLC26A3 protein function with a negative predictive value of 80%. In summary, the available evidence is currently insufficient to determine the role of this variant in disease. Therefore, it has been classified as a Variant of Uncertain Significance.

NM_000111.3(SLC26A3):c.996C>G (p.Asp332Glu)

Gene: SLC26A3 (solute carrier family 26 member 3; minus strand). Cytogenetic location: 7q22.3.
Variant type: single nucleotide variant.
Coding change: c.996C>G on transcript NM_000111.3 (MANE Select); coding-DNA position 996, C replaced by G.
Protein change: p.Asp332Glu; replaces aspartic acid 332 with glutamic acid.
Molecular consequence: missense variant.
Genome position (GRCh38, 1-based): chr7:107,783,328, G>C on the plus strand (C>G on the coding strand, the complement: SLC26A3 is on the minus strand). VCF-style: chr7-107783328-G-C. GRCh37 (hg19) VCF-style: chr7-107423773-G-C.
Other names: short protein forms D332E.
Identifiers: ClinVar variation 3646819 (VCV003646819.2).